The following is an entry in ClinVar:

ClinVar aggregate classification (germline): Likely pathogenic (1 of 4 stars; one submission).

Conditions:
Hypophosphatasia. Also called: Phosphoethanol-aminuria. Identifiers: Orphanet 436, MedGen C0020630, MeSH D007014, MONDO:0018570.

Submission:

Genomenon, Inc
Classification: Likely pathogenic for Hypophosphatasia. Last evaluated: 2025-08-29. Review status: criteria provided, single submitter. Criteria: Genomenon Sequence Variant Interpretation Standards. Collection method: curation. Allele origin: germline. Affected: yes.
Comment: ALPL c.889T>G is a missense variant that changes the amino acid at residue 297 from Tyrosine to Aspartic acid. This variant has been observed in at least one proband affected with hypophosphatasia (PMID:15694177). At least one functional study has demonstrated a substantial alteration in protein function relative to the wild-type (PMID:15694177). This variant has been described as Tyr280Asp in the literature. It is absent or not present at a significant frequency in gnomAD. In silico models agree that this variant is possibly or probably damaging. In conclusion, we classify ALPL p.Tyr297Asp (c.889T>G) as a likely pathogenic variant.

Literature cited by the submitters: PubMed 15694177.

NM_000478.6(ALPL):c.889T>G (p.Tyr297Asp)

Gene: ALPL (alkaline phosphatase, biomineralization associated; plus strand). Cytogenetic location: 1p36.12.
Variant type: single nucleotide variant.
Coding change: c.889T>G on transcript NM_000478.6 (MANE Select); coding-DNA position 889, T replaced by G.
Protein change: p.Tyr297Asp; replaces tyrosine 297 with aspartic acid.
Molecular consequence: missense variant.
Genome position (GRCh38, 1-based): chr1:21,573,691, T>G. VCF-style: chr1-21573691-T-G. GRCh37 (hg19) VCF-style: chr1-21900184-T-G.
Other names: c.724T>G, p.Tyr242Asp (NM_001127501.4); c.658T>G, p.Tyr220Asp (NM_001177520.3); c.889T>G, p.Tyr297Asp (NM_001369803.2, NM_001369804.2, NM_001369805.2); short protein forms Y220D, Y242D, Y297D.
Identifiers: ClinVar variation 4086845 (VCV004086845.1).